The following is an entry in ClinVar:

NM_015909.4(NBAS):c.1870G>A (p.Asp624Asn)

Gene: NBAS (NBAS subunit of NRZ tethering complex; minus strand). Cytogenetic location: 2p24.3.
Variant type: single nucleotide variant.
Coding change: c.1870G>A on transcript NM_015909.4 (MANE Select); coding-DNA position 1870, G replaced by A.
Protein change: p.Asp624Asn; replaces aspartic acid 624 with asparagine.
Molecular consequence: missense variant. On other transcripts: non-coding transcript variant (1).
Genome position (GRCh38, 1-based): chr2:15,468,389, C>T on the plus strand (G>A on the coding strand, the complement: NBAS is on the minus strand). VCF-style: chr2-15468389-C-T. GRCh37 (hg19) VCF-style: chr2-15608513-C-T.
Other names: short protein forms D624N.
Identifiers: ClinVar variation 3694037 (VCV003694037.2).

ClinVar aggregate classification (germline): Uncertain significance (1 of 4 stars; one submission).

gnomAD v4.1: 4 of 1,614,074 alleles (0.00025%); highest among the groups gnomAD compares: Non-Finnish European, 0.00034%; no homozygotes.

Submission:

Labcorp Genetics (formerly Invitae), Labcorp
Classification: Uncertain significance. Last evaluated: 2025-04-24. Review status: criteria provided, single submitter. Criteria: Invitae Variant Classification Sherloc (09022015). Collection method: clinical testing. Allele origin: germline.
Comment: This sequence change replaces aspartic acid, which is acidic and polar, with asparagine, which is neutral and polar, at codon 624 of the NBAS protein (p.Asp624Asn). This variant is not present in population databases (gnomAD no frequency). This variant has not been reported in the literature in individuals affected with NBAS-related conditions. ClinVar contains an entry for this variant (Variation ID: 3694037). Invitae Evidence Modeling of protein sequence and biophysical properties (such as structural, functional, and spatial information, amino acid conservation, physicochemical variation, residue mobility, and thermodynamic stability) indicates that this missense variant is not expected to disrupt NBAS protein function with a negative predictive value of 95%. In summary, the available evidence is currently insufficient to determine the role of this variant in disease. Therefore, it has been classified as a Variant of Uncertain Significance.